The following is an entry in ClinVar:

NM_003334.4(UBA1):c.3133G>A (p.Gly1045Ser)

Gene: UBA1 (ubiquitin like modifier activating enzyme 1; plus strand). Cytogenetic location: Xp11.3.
Variant type: single nucleotide variant.
Coding change: c.3133G>A on transcript NM_003334.4 (MANE Select); coding-DNA position 3133, G replaced by A.
Protein change: p.Gly1045Ser; replaces glycine 1045 with serine.
Molecular consequence: missense variant.
Genome position (GRCh38, 1-based): chrX:47,214,885, G>A. VCF-style: chrX-47214885-G-A. GRCh37 (hg19) VCF-style: chrX-47074284-G-A.
Other names: c.3133G>A, p.Gly1045Ser (NM_153280.3); c.3133G>A (NM_003334.3); short protein forms G1045S.
Identifiers: ClinVar variation 1440941 (VCV001440941.9), dbSNP rs782451807, ClinGen allele CA10396276.
Genomic context (GRCh38, chrX:47,214,885, plus strand): 5'-CGAAAGCTGGGCCGCCACGTGCGGGCGCTGGTGCTTGAGCTGTGCTGTAACGACGAGAGC[G>A]GCGAGGATGTCGAGGTTCCCTATGTCCGATACACCATCCGCTGACCCCGTCTGCTCCTCT-3'
Protein context (NP_003325.2, residues 1035-1055): VLELCCNDES[Gly1045Ser]EDVEVPYVRY

ClinVar aggregate classification (germline): Conflicting classifications of pathogenicity. Review status: criteria provided, conflicting classifications (1 of 4 stars). 2 submissions from 2 submitters: Uncertain significance (1); Likely benign (1). Last evaluated 2025-10-14.

Conditions:
Infantile-onset X-linked spinal muscular atrophy. Also called: AMC, DISTAL, X-LINKED; ARTHROGRYPOSIS, X-LINKED, TYPE I; Spinal muscular atrophy, X-linked 2; Spinal Muscular Atrophy, X-Linked Infantile; SPINAL MUSCULAR ATROPHY, X-LINKED LETHAL INFANTILE. Identifiers: Orphanet 1145, MedGen C1844934, MONDO:0010532, OMIM 301830.
Inborn genetic diseases. Identifiers: MedGen C0950123, MeSH D030342.

Allele frequency attached by ClinVar (database versions not stated): ExAC 0.00001; gnomAD exomes 0.00001 and 0.00003; TOPMed 0.00001; gnomAD 0.00002.
gnomAD v4.1: 12 of 1,210,030 alleles (0.00099%); highest among the groups gnomAD compares: East Asian, 0.015%; no homozygotes.

Submissions (2):

Ambry Genetics
Classification: Likely benign for Inborn genetic diseases. Last evaluated: 2025-10-14. Review status: criteria provided, single submitter. Criteria: Ambry Variant Classification Scheme 2023. Collection method: clinical testing. Allele origin: germline.

Labcorp Genetics (formerly Invitae), Labcorp
Classification: Uncertain significance for Infantile-onset X-linked spinal muscular atrophy. Last evaluated: 2024-10-31. Review status: criteria provided, single submitter. Criteria: Invitae Variant Classification Sherloc (09022015). Collection method: clinical testing. Allele origin: germline.
Comment: This sequence change replaces glycine, which is neutral and non-polar, with serine, which is neutral and polar, at codon 1045 of the UBA1 protein (p.Gly1045Ser). This variant is present in population databases (rs782451807, gnomAD 0.02%), including at least one homozygous and/or hemizygous individual. This variant has not been reported in the literature in individuals affected with UBA1-related conditions. ClinVar contains an entry for this variant (Variation ID: 1440941). An algorithm developed to predict the effect of missense changes on protein structure and function (PolyPhen-2) suggests that this variant is likely to be disruptive. In summary, the available evidence is currently insufficient to determine the role of this variant in disease. Therefore, it has been classified as a Variant of Uncertain Significance.